The following is an entry in ClinVar:

ClinVar aggregate classification (germline): Uncertain significance. Review status: criteria provided, multiple submitters, no conflicts (2 of 4 stars). 2 submissions from 2 submitters: Uncertain significance (2). Last evaluated 2025-05-08.

Allele frequency attached by ClinVar (database versions not stated): ExAC 0.00001; gnomAD exomes 0.00001.
gnomAD v4.1: 9 of 1,614,160 alleles (0.00056%); highest among the groups gnomAD compares: Non-Finnish European, 0.00076%; no homozygotes.

Submissions (2):

Ambry Genetics
Classification: Uncertain significance. Last evaluated: 2025-05-08. Review status: criteria provided, single submitter. Criteria: Ambry Variant Classification Scheme 2023. Collection method: clinical testing. Allele origin: germline.
Comment: The p.I180T variant (also known as c.539T>C), located in coding exon 6 of the A2ML1 gene, results from a T to C substitution at nucleotide position 539. The isoleucine at codon 180 is replaced by threonine, an amino acid with similar properties. This amino acid position is conserved. In addition, the in silico prediction for this alteration is inconclusive. Based on the available evidence, the clinical significance of this variant remains unclear.

Labcorp Genetics (formerly Invitae), Labcorp
Classification: Uncertain significance. Last evaluated: 2023-04-16. Review status: criteria provided, single submitter. Criteria: Invitae Variant Classification Sherloc (09022015). Collection method: clinical testing. Allele origin: germline.
Comment: This sequence change replaces isoleucine, which is neutral and non-polar, with threonine, which is neutral and polar, at codon 180 of the A2ML1 protein (p.Ile180Thr). In summary, the available evidence is currently insufficient to determine the role of this variant in disease. Therefore, it has been classified as a Variant of Uncertain Significance. An algorithm developed to predict the effect of missense changes on protein structure and function (PolyPhen-2) suggests that this variant is likely to be disruptive. This variant has not been reported in the literature in individuals affected with A2ML1-related conditions. This variant is present in population databases (rs778039298, gnomAD 0.003%).

NM_144670.6(A2ML1):c.539T>C (p.Ile180Thr)

Gene: A2ML1 (alpha-2-macroglobulin like 1; plus strand). Cytogenetic location: 12p13.31.
Variant type: single nucleotide variant.
Coding change: c.539T>C on transcript NM_144670.6 (MANE Select); coding-DNA position 539, T replaced by C.
Protein change: p.Ile180Thr; replaces isoleucine 180 with threonine.
Molecular consequence: missense variant.
Genome position (GRCh38, 1-based): chr12:8,835,562, T>C. VCF-style: chr12-8835562-T-C. GRCh37 (hg19) VCF-style: chr12-8988158-T-C.
Other names: c.539T>C (NM_144670.3); short protein forms I180T.
Identifiers: ClinVar variation 2901167 (VCV002901167.4), dbSNP rs778039298, ClinGen allele CA6435355.